The following is an entry in ClinVar:

NM_017763.6(RNF43):c.260C>T (p.Pro87Leu)

Gene: RNF43 (ring finger protein 43; minus strand). Cytogenetic location: 17q22.
Variant type: single nucleotide variant.
Coding change: c.260C>T on transcript NM_017763.6 (MANE Select); coding-DNA position 260, C replaced by T.
Protein change: p.Pro87Leu; replaces proline 87 with leucine.
Molecular consequence: missense variant.
Genome position (GRCh38, 1-based): chr17:58,371,026, G>A on the plus strand (C>T on the coding strand, the complement: RNF43 is on the minus strand). VCF-style: chr17-58371026-G-A. GRCh37 (hg19) VCF-style: chr17-56448387-G-A.
Other names: c.260C>T, p.Pro87Leu (NM_001305544.3); c.-122C>T (NM_001305545.2); short protein forms P87L.
Identifiers: ClinVar variation 3780560 (VCV003780560.1).

ClinVar aggregate classification (germline): Uncertain significance. Review status: criteria provided, multiple submitters, no conflicts (2 of 4 stars). 2 submissions from 2 submitters: Uncertain significance (2). Last evaluated 2025-01-16.

Conditions:
Hyperplastic polyposis syndrome. Identifiers: Orphanet 157798, MedGen C4296896, MONDO:0015524.

gnomAD v4.1: 12 of 1,595,968 alleles (0.00075%); highest among the groups gnomAD compares: Admixed American, 0.0017%; no homozygotes.

Submissions (2):

Ambry Genetics
Classification: Uncertain significance. Last evaluated: 2025-01-16. Review status: criteria provided, single submitter. Criteria: Ambry Variant Classification Scheme 2023. Collection method: clinical testing. Allele origin: germline.
Comment: The p.P87L variant (also known as c.260C>T), located in coding exon 2 of the RNF43 gene, results from a C to T substitution at nucleotide position 260. The proline at codon 87 is replaced by leucine, an amino acid with similar properties. This amino acid position is conserved. In addition, this alteration is predicted to be deleterious by in silico analysis. Based on the available evidence, the clinical significance of this variant remains unclear.

Department of Pathology and Laboratory Medicine, Sinai Health System
Classification: Uncertain significance for Hyperplastic polyposis syndrome. Last evaluated: 2022-11-24. Review status: criteria provided, single submitter. Criteria: ACMG Guidelines, 2015. Collection method: clinical testing. Allele origin: germline. Affected: yes.